The following is an entry in ClinVar:

ClinVar aggregate classification (germline): Uncertain significance. Review status: criteria provided, multiple submitters, no conflicts (2 of 4 stars). 2 submissions from 2 submitters: Uncertain significance (2). Last evaluated 2023-06-05.

Conditions:
Osteogenesis imperfecta type I (OI1). Also called: Lobstein disease; Osteogenesis imperfecta type 1; Lobstein's Disease; OI, TYPE I; OSTEOGENESIS IMPERFECTA TARDA; OSTEOGENESIS IMPERFECTA WITH BLUE SCLERAE. Identifiers: Orphanet 216796, Orphanet 666, MedGen C0023931, MONDO:0008146, OMIM 166200. Disease mechanism: loss of function.
Cardiovascular phenotype. Identifiers: MedGen CN230736.

Allele frequency attached by ClinVar (database versions not stated): gnomAD exomes 0.00001; TOPMed 0.00001.
gnomAD v4.1: 8 of 1,613,994 alleles (0.0005%); highest among the groups gnomAD compares: South Asian, 0.0033%; no homozygotes.

Submissions (2):

Ambry Genetics
Classification: Uncertain significance for Cardiovascular phenotype. Last evaluated: 2023-06-05. Review status: criteria provided, single submitter. Criteria: Ambry Variant Classification Scheme 2023. Collection method: clinical testing. Allele origin: germline.
Comment: The p.R1026Q variant (also known as c.3077G>A), located in coding exon 42 of the COL1A1 gene, results from a G to A substitution at nucleotide position 3077. The arginine at codon 1026 is replaced by glutamine, an amino acid with highly similar properties. This amino acid position is highly conserved in available vertebrate species. In addition, the in silico prediction for this alteration is inconclusive. Since supporting evidence is limited at this time, the clinical significance of this alteration remains unclear.

Labcorp Genetics (formerly Invitae), Labcorp
Classification: Uncertain significance for Osteogenesis imperfecta type I. Last evaluated: 2023-05-20. Review status: criteria provided, single submitter. Criteria: Invitae Variant Classification Sherloc (09022015). Collection method: clinical testing. Allele origin: germline.
Comment: ClinVar contains an entry for this variant (Variation ID: 2060977). Advanced modeling of protein sequence and biophysical properties (such as structural, functional, and spatial information, amino acid conservation, physicochemical variation, residue mobility, and thermodynamic stability) has been performed at Invitae for this missense variant, however the output from this modeling did not meet the statistical confidence thresholds required to predict the impact of this variant on COL1A1 protein function. In summary, the available evidence is currently insufficient to determine the role of this variant in disease. Therefore, it has been classified as a Variant of Uncertain Significance. This sequence change replaces arginine, which is basic and polar, with glutamine, which is neutral and polar, at codon 1026 of the COL1A1 protein (p.Arg1026Gln). This variant is not present in population databases (gnomAD no frequency). This missense change has been observed in individual(s) with autosomal dominant Ehlers-Danlos syndrome (Invitae).

NM_000088.4(COL1A1):c.3077G>A (p.Arg1026Gln)

Gene: COL1A1 (collagen type I alpha 1 chain; minus strand). Cytogenetic location: 17q21.33.
Variant type: single nucleotide variant.
Coding change: c.3077G>A on transcript NM_000088.4 (MANE Select); coding-DNA position 3077, G replaced by A.
Protein change: p.Arg1026Gln; replaces arginine 1026 with glutamine.
Molecular consequence: missense variant.
Genome position (GRCh38, 1-based): chr17:50,188,764, C>T on the plus strand (G>A on the coding strand, the complement: COL1A1 is on the minus strand). VCF-style: chr17-50188764-C-T. GRCh37 (hg19) VCF-style: chr17-48266125-C-T.
Other names: short protein forms R1026Q.
Identifiers: ClinVar variation 2060977 (VCV002060977.6), dbSNP rs1906792814, ClinGen allele CA400203179.